The following is an entry in ClinVar:

ClinVar aggregate classification (germline): Likely pathogenic (1 of 4 stars; one submission).

Conditions:
Hereditary factor VIII deficiency disease (HEMA). Also called: Hemophilia A, congenital; HEM A; Factor 8 deficiency, congenital; HEMOPHILIA, CLASSIC; AUTOSOMAL HEMOPHILIA A; Hemophilia A. Identifiers: Orphanet 98878, MedGen C0019069, MONDO:0010602, OMIM 306700.

Submission:

3billion
Classification: Likely pathogenic for Hereditary factor VIII deficiency disease. Last evaluated: 2023-02-23. Review status: criteria provided, single submitter. Criteria: ACMG Guidelines, 2015. Collection method: clinical testing. Allele origin: unknown. Affected: yes.
Comment: The variant is not observed in the gnomAD v2.1.1 dataset. The variant is located in a mutational hot spot and/or well-established functional domain in which established pathogenic variants have been reported. In silico tool predictions suggest damaging effect of the variant on gene or gene product (REVEL: 0.65). Different nucleotide change resulting in same amino acid change has been previously reported to be associated with F8 -related disorder (ClinVar ID: VCV000627033 / PMID: 15921397). Therefore, this variant is classified as Likely pathogenic according to the recommendation of ACMG/AMP guideline.

Literature cited by the submitters: PubMed 15921397.

NM_000132.4(F8):c.2043G>A (p.Met681Ile)

Gene: F8 (coagulation factor VIII; minus strand). Cytogenetic location: Xq28.
Variant type: single nucleotide variant.
Coding change: c.2043G>A on transcript NM_000132.4 (MANE Select); coding-DNA position 2043, G replaced by A.
Protein change: p.Met681Ile; replaces methionine 681 with isoleucine.
Molecular consequence: missense variant.
Genome position (GRCh38, 1-based): chrX:154,947,768, C>T on the plus strand (G>A on the coding strand, the complement: F8 is on the minus strand). VCF-style: chrX-154947768-C-T. GRCh37 (hg19) VCF-style: chrX-154176043-C-T.
Other names: short protein forms M681I.
Identifiers: ClinVar variation 2444429 (VCV002444429.1), dbSNP rs1603434460, ClinGen allele CA414909257.
Genomic context (GRCh38, chrX:154,947,768, plus strand): 5'-CATCGACATGAAGACAGTTTCTCCTGAGAATGGGAATAGGGTGAGTGTGTCTTCATAGAC[C>T]ATTTTGTGTTTGAAGGTATATCCAGAGAAGAAGACAGAAAGGAAGTCAGTCTGTGCTCCA-3'
Protein context (NP_000123.1, residues 671-691): FFSGYTFKHK[Met681Ile]VYEDTLTLFP